The following is an entry in ClinVar:

ClinVar aggregate classification (germline): Uncertain significance (1 of 4 stars; one submission).

Submission:

Dasa
Classification: Uncertain significance. Last evaluated: 2025-12-24. Review status: criteria provided, single submitter. Criteria: DASA Assertion Criteria. Collection method: clinical testing. Allele origin: germline.
Comment: NM_015080.4(NRXN2):c.4940C>T (p.Ala1647Val) is a missense variant that results in the substitution of alanine with valine. This variant is rare in population databases. The currently available literature and clinical evidence are not sufficient to establish a definitive association between this variant and the reported condition. Therefore, this variant is classified as a variant of uncertain significance.

NM_015080.4(NRXN2):c.4940C>T (p.Ala1647Val)

Gene: NRXN2 (neurexin 2; minus strand). Cytogenetic location: 11q13.1.
Variant type: single nucleotide variant.
Coding change: c.4940C>T on transcript NM_015080.4 (MANE Select); coding-DNA position 4940, C replaced by T.
Protein change: p.Ala1647Val; replaces alanine 1647 with valine.
Molecular consequence: missense variant.
Genome position (GRCh38, 1-based): chr11:64,607,395, G>A on the plus strand (C>T on the coding strand, the complement: NRXN2 is on the minus strand). VCF-style: chr11-64607395-G-A. GRCh37 (hg19) VCF-style: chr11-64374867-G-A.
Other names: c.4358C>T, p.Ala1453Val (NM_001376262.1); c.4337C>T, p.Ala1446Val (NM_001376263.1); c.4313C>T, p.Ala1438Val (NM_001376265.1); c.4334C>T, p.Ala1445Val (NM_001376266.1); c.4247C>T, p.Ala1416Val (NM_001376267.1); c.983C>T, p.Ala328Val (NM_001400681.1); c.893C>T, p.Ala298Val (NM_001400682.1); c.4730C>T, p.Ala1577Val (NM_138732.3); and 1 more; short protein forms A1416V, A1438V, A1445V, A1446V, A1453V, A1577V, A1647V, A298V.
Identifiers: ClinVar variation 4882636 (VCV004882636.2).
Genomic context (GRCh38, chr11:64,607,395, plus strand): 5'-GAGCCCTCATCACGATTGCGGTACTTATACATGGCGTAGAGGAGGATGAGGATGCAGAGC[G>A]CCGCCGCCGCCACAATGCCCACCACCATGCCCGTGGTGCTGCTGGACTCCCGGATCACCT-3'
Protein context (NP_055895.1, residues 1637-1657): GMVVGIVAAA[Ala1647Val]LCILILLYAM